The following is an entry in ClinVar:

NM_016247.4(IMPG2):c.2963C>T (p.Thr988Ile)

Gene: IMPG2 (interphotoreceptor matrix proteoglycan 2; minus strand). Cytogenetic location: 3q12.3.
Variant type: single nucleotide variant.
Coding change: c.2963C>T on transcript NM_016247.4 (MANE Select); coding-DNA position 2963, C replaced by T.
Protein change: p.Thr988Ile; replaces threonine 988 with isoleucine.
Molecular consequence: missense variant.
Genome position (GRCh38, 1-based): chr3:101,242,747, G>A on the plus strand (C>T on the coding strand, the complement: IMPG2 is on the minus strand). VCF-style: chr3-101242747-G-A. GRCh37 (hg19) VCF-style: chr3-100961591-G-A.
Other names: short protein forms T988I.
Identifiers: ClinVar variation 1375140 (VCV001375140.6), dbSNP rs768676452, ClinGen allele CA353853221.

ClinVar aggregate classification (germline): Uncertain significance (1 of 4 stars; one submission).

gnomAD v4.1: 9 of 1,613,980 alleles (0.00056%); highest among the groups gnomAD compares: Non-Finnish European, 0.00076%; no homozygotes.

Submission:

Labcorp Genetics (formerly Invitae), Labcorp
Classification: Uncertain significance. Last evaluated: 2023-06-13. Review status: criteria provided, single submitter. Criteria: Invitae Variant Classification Sherloc (09022015). Collection method: clinical testing. Allele origin: germline.
Comment: In summary, the available evidence is currently insufficient to determine the role of this variant in disease. Therefore, it has been classified as a Variant of Uncertain Significance. Advanced modeling of protein sequence and biophysical properties (such as structural, functional, and spatial information, amino acid conservation, physicochemical variation, residue mobility, and thermodynamic stability) performed at Invitae indicates that this missense variant is not expected to disrupt IMPG2 protein function. ClinVar contains an entry for this variant (Variation ID: 1375140). This variant has not been reported in the literature in individuals affected with IMPG2-related conditions. This variant is not present in population databases (gnomAD no frequency). This sequence change replaces threonine, which is neutral and polar, with isoleucine, which is neutral and non-polar, at codon 988 of the IMPG2 protein (p.Thr988Ile).